The following is an entry in ClinVar:

ClinVar aggregate classification (germline): Uncertain significance. Review status: criteria provided, multiple submitters, no conflicts (2 of 4 stars). 3 submissions from 3 submitters: Uncertain significance (3). Last evaluated 2026-07-09.

Conditions:
Cardiovascular phenotype. Identifiers: MedGen CN230736.
Andersen Tawil syndrome (LQT7). Also called: ANDERSEN CARDIODYSRHYTHMIC PERIODIC PARALYSIS; LONG QT SYNDROME 7; PERIODIC PARALYSIS, POTASSIUM-SENSITIVE CARDIODYSRHYTHMIC TYPE; Andersen Syndrome; Potassium-sensitive periodic paralysis, ventricular ectopy, and dysmorphic features. Identifiers: Orphanet 37553, MedGen C1563715, MONDO:0008222, OMIM 170390.
Short QT syndrome type 3. Identifiers: Orphanet 51083, MedGen C1865018, MONDO:0012314, OMIM 609622.

Submissions (3):

Ambry Genetics
Classification: Uncertain significance for Cardiovascular phenotype. Last evaluated: 2026-07-09. Review status: criteria provided, single submitter. Criteria: Ambry Variant Classification Scheme 2023. Collection method: clinical testing. Allele origin: germline.
Comment: The p.P415H variant (also known as c.1244C>A), located in coding exon 1 of the KCNJ2 gene, results from a C to A substitution at nucleotide position 1244. The proline at codon 415 is replaced by histidine, an amino acid with similar properties. This amino acid position is conserved. In addition, the in silico prediction for this alteration is inconclusive. Based on the available evidence, the clinical significance of this variant remains unclear.

Labcorp Genetics (formerly Invitae), Labcorp
Classification: Uncertain significance for Short QT syndrome type 3; Andersen Tawil syndrome. Last evaluated: 2025-08-05. Review status: criteria provided, single submitter. Criteria: Invitae Variant Classification Sherloc (09022015). Collection method: clinical testing. Allele origin: germline.
Comment: This sequence change replaces proline, which is neutral and non-polar, with histidine, which is basic and polar, at codon 415 of the KCNJ2 protein (p.Pro415His). This variant is present in population databases (rs373799322, gnomAD 0.007%). This variant has not been reported in the literature in individuals affected with KCNJ2-related conditions. ClinVar contains an entry for this variant (Variation ID: 2190501). Invitae Evidence Modeling of protein sequence and biophysical properties (such as structural, functional, and spatial information, amino acid conservation, physicochemical variation, residue mobility, and thermodynamic stability) has been performed for this missense variant. However, the output from this modeling did not meet the statistical confidence thresholds required to predict the impact of this variant on KCNJ2 protein function. In summary, the available evidence is currently insufficient to determine the role of this variant in disease. Therefore, it has been classified as a Variant of Uncertain Significance.

Mayo Clinic Laboratories, Mayo Clinic
Classification: Uncertain significance. Last evaluated: 2024-05-01. Review status: criteria provided, single submitter. Criteria: ACMG Guidelines, 2015. Collection method: clinical testing. Allele origin: germline. Observed: 1 variant allele.
Comment: PM2_moderate

NM_000891.3(KCNJ2):c.1244C>A (p.Pro415His)

Gene: KCNJ2 (potassium inwardly rectifying channel subfamily J member 2; plus strand). Cytogenetic location: 17q24.3.
Variant type: single nucleotide variant.
Coding change: c.1244C>A on transcript NM_000891.3 (MANE Select); coding-DNA position 1244, C replaced by A.
Protein change: p.Pro415His; replaces proline 415 with histidine.
Molecular consequence: missense variant.
Genome position (GRCh38, 1-based): chr17:70,176,283, C>A. VCF-style: chr17-70176283-C-A. GRCh37 (hg19) VCF-style: chr17-68172424-C-A.
Other names: p.Pro415His; short protein forms P415H.
Identifiers: ClinVar variation 2190501 (VCV002190501.6), dbSNP rs373799322, ClinGen allele CA8738811.
Genomic context (GRCh38, chr17:70,176,283, plus strand): 5'-CAGAAAGCACTAGTACGGACACGCCCCCTGACATAGACCTTCACAACCAGGCAAGTGTAC[C>A]TCTAGAGCCCAGGCCCTTACGGCGAGAGTCGGAGATATGACTGACTGATTCCTTCTCTGG-3'
Protein context (NP_000882.1, residues 405-425): DIDLHNQASV[Pro415His]LEPRPLRRES